The following is an entry in ClinVar:

NM_152269.5(MTRFR):c.56C>T (p.Ala19Val)

Gene: MTRFR (mitochondrial translation release factor in rescue; plus strand). Cytogenetic location: 12q24.31.
Variant type: single nucleotide variant.
Coding change: c.56C>T on transcript NM_152269.5 (MANE Select); coding-DNA position 56, C replaced by T.
Protein change: p.Ala19Val; replaces alanine 19 with valine.
Molecular consequence: missense variant.
Genome position (GRCh38, 1-based): chr12:123,253,730, C>T. VCF-style: chr12-123253730-C-T. GRCh37 (hg19) VCF-style: chr12-123738277-C-T.
Other names: c.56C>T, p.Ala19Val (NM_001143905.2, NM_001194995.1); short protein forms A19V.
Identifiers: ClinVar variation 307495 (VCV000307495.15), dbSNP rs140452371, ClinGen allele CA6856508.

ClinVar aggregate classification (germline): Uncertain significance. Review status: criteria provided, multiple submitters, no conflicts (2 of 4 stars). 4 submissions from 4 submitters: Uncertain significance (3). 1 of the submissions does not count toward it. Last evaluated 2025-11-12.

Conditions:
Combined oxidative phosphorylation defect type 7. Identifiers: Orphanet 254930, MedGen C3150801, MONDO:0013306, OMIM 613559.
Spastic paraplegia. Identifiers: MedGen C0037772, HP:0001258.

Allele frequency attached by ClinVar (database versions not stated): ExAC 0.00004; gnomAD exomes 0.00005 and 0.00006; TOPMed 0.00006; ESP Exome Variant Server 0.00008; gnomAD 0.00010 and 0.00011.

Submissions (4):

GeneDx
Classification: Uncertain significance. Last evaluated: 2025-11-12. Review status: criteria provided, single submitter. Criteria: GeneDx Variant Classification Process June 2021. Collection method: clinical testing. Allele origin: germline. Affected: yes.
Comment: Not observed at significant frequency in large population cohorts (gnomAD); In silico analysis suggests that this missense variant does not alter protein structure/function; Has not been previously published as pathogenic or benign to our knowledge

Labcorp Genetics (formerly Invitae), Labcorp
Classification: Uncertain significance for Combined oxidative phosphorylation defect type 7; Spastic paraplegia. Last evaluated: 2024-11-05. Review status: criteria provided, single submitter. Criteria: Invitae Variant Classification Sherloc (09022015). Collection method: clinical testing. Allele origin: germline.
Comment: This sequence change replaces alanine, which is neutral and non-polar, with valine, which is neutral and non-polar, at codon 19 of the C12orf65 protein (p.Ala19Val). This variant is present in population databases (rs140452371, gnomAD 0.01%). This variant has not been reported in the literature in individuals affected with C12orf65-related conditions. ClinVar contains an entry for this variant (Variation ID: 307495). An algorithm developed to predict the effect of missense changes on protein structure and function outputs the following: PolyPhen-2: "Benign". The valine amino acid residue is found in multiple mammalian species, which suggests that this missense change does not adversely affect protein function. In summary, the available evidence is currently insufficient to determine the role of this variant in disease. Therefore, it has been classified as a Variant of Uncertain Significance.

Illumina Laboratory Services, Illumina
Classification: Uncertain significance for Combined oxidative phosphorylation defect type 7. Last evaluated: 2018-01-13. Review status: criteria provided, single submitter. Criteria: ICSL Variant Classification Criteria 13 December 2019. Collection method: clinical testing. Allele origin: germline.

Mayo Clinic Laboratories, Mayo Clinic
Classification: Uncertain significance. Last evaluated: 2017-06-01. Review status: no assertion criteria provided. Collection method: clinical testing. Allele origin: unknown. Not counted in ClinVar's aggregate classification.